The following is an entry in ClinVar:

ClinVar aggregate classification (germline): Uncertain significance. Review status: criteria provided, single submitter (1 of 4 stars). 2 submissions from 2 submitters: Uncertain significance (1). 1 of the submissions does not count toward it. Last evaluated 2016-09-13.

Conditions:
Corticosteroids response. Also called: Corticosteroid response.

Submissions (2):

Athena Diagnostics
Classification: Uncertain significance. Last evaluated: 2016-09-13. Review status: criteria provided, single submitter. Criteria: Athena Diagnostics Criteria. Collection method: clinical testing. Allele origin: germline.

Genetic Testing Lab, Ashok and Rita Patel Institute of Integrated Study and Research in Biotechnology and Allied Sciences
Classification: drug response for Corticosteroid response. Last evaluated: 2020-01-12. Review status: no assertion criteria provided. Collection method: research. Allele origin: somatic. Affected: yes. Observed: 37 variant alleles. Not counted in ClinVar's aggregate classification.
Comment: Depending upon patients response to standard corticosteroids therapy, they were classified to be either Steroid resistance(SRNS) or steroid sensitive(SSNS)

Literature cited by the submitters: PubMed 14978175 (cited by Athena Diagnostics).

NM_014625.4(NPHS2):c.304G>A (p.Glu102Lys)

Gene: NPHS2 (NPHS2 stomatin family member, podocin; minus strand). Cytogenetic location: 1q25.2.
Variant type: single nucleotide variant.
Coding change: c.304G>A on transcript NM_014625.4 (MANE Select); coding-DNA position 304, G replaced by A.
Protein change: p.Glu102Lys; replaces glutamic acid 102 with lysine.
Molecular consequence: missense variant.
Genome position (GRCh38, 1-based): chr1:179,564,764, C>T on the plus strand (G>A on the coding strand, the complement: NPHS2 is on the minus strand). VCF-style: chr1-179564764-C-T. GRCh37 (hg19) VCF-style: chr1-179533899-C-T.
Other names: c.304G>A, p.Glu102Lys (NM_001297575.2); short protein forms E102K.
Identifiers: ClinVar variation 447879 (VCV000447879.3), dbSNP rs1553315157, ClinGen allele CA343571048.